The following is an entry in ClinVar:

NM_002439.5(MSH3):c.1154A>T (p.Asn385Ile)

Gene: MSH3 (mutS homolog 3; plus strand). Cytogenetic location: 5q14.1.
Variant type: single nucleotide variant.
Coding change: c.1154A>T on transcript NM_002439.5 (MANE Select); coding-DNA position 1154, A replaced by T.
Protein change: p.Asn385Ile; replaces asparagine 385 with isoleucine.
Molecular consequence: missense variant.
Genome position (GRCh38, 1-based): chr5:80,675,109, A>T. VCF-style: chr5-80675109-A-T. GRCh37 (hg19) VCF-style: chr5-79970928-A-T.
Other names: short protein forms N385I.
Identifiers: ClinVar variation 2878871 (VCV002878871.3), dbSNP rs1362828312, ClinGen allele CA360268353.
Genomic context (GRCh38, chr5:80,675,109, plus strand): 5'-CCAGCTATCTTCTGTGCATCTCTGAAAATAAGGAAAATGTTAGGGACAAAAAAAAGGGCA[A>T]CATTTTTATTGGCATTGTGGTAAGTACTTTGCAGGTGAGGAACAAATGTTAGATGTTCAT-3'
Protein context (NP_002430.3, residues 375-395): KENVRDKKKG[Asn385Ile]IFIGIVGVQP

ClinVar aggregate classification (germline): Uncertain significance (1 of 4 stars; one submission).

Submission:

Labcorp Genetics (formerly Invitae), Labcorp
Classification: Uncertain significance. Last evaluated: 2024-06-30. Review status: criteria provided, single submitter. Criteria: Invitae Variant Classification Sherloc (09022015). Collection method: clinical testing. Allele origin: germline.
Comment: This sequence change replaces asparagine, which is neutral and polar, with isoleucine, which is neutral and non-polar, at codon 385 of the MSH3 protein (p.Asn385Ile). This variant is not present in population databases (gnomAD no frequency). This variant has not been reported in the literature in individuals affected with MSH3-related conditions. Algorithms developed to predict the effect of missense changes on protein structure and function output the following: SIFT: "Not Available"; PolyPhen-2: "Benign"; Align-GVGD: "Not Available". The isoleucine amino acid residue is found in multiple mammalian species, which suggests that this missense change does not adversely affect protein function. In summary, the available evidence is currently insufficient to determine the role of this variant in disease. Therefore, it has been classified as a Variant of Uncertain Significance.